The following is an entry in ClinVar:

NM_001365999.1(SZT2):c.1770-8_1770-7del

Gene: SZT2 (SZT2 subunit of KICSTOR complex; plus strand). Cytogenetic location: 1p34.2.
Variant type: Microsatellite.
Coding change: c.1770-8_1770-7del on transcript NM_001365999.1 (MANE Select); 8 bases into the intron before coding-DNA position 1770 through 7 bases into the intron before coding-DNA position 1770, 2 bases deleted (CT; older notation c.1770-8_1770-7delCT).
Molecular consequence: intron variant.
Genome position (GRCh38, 1-based): chr1:43,422,472-43,422,473, CT deleted; deleting any 2 consecutive bases within chr1:43,422,470-43,422,473 gives the same sequence; the c. name uses the placement nearest the transcript's 3' end. VCF-style (leftmost placement, unchanged base first): chr1-43422469-CCT-C. GRCh37 (hg19) VCF-style: chr1-43888140-CCT-C.
Other names: c.1770-8_1770-7del (NM_015284.4).
Identifiers: ClinVar variation 1973522 (VCV001973522.5), dbSNP rs1652487162, ClinGen allele CA1001104321.

ClinVar aggregate classification (germline): Uncertain significance (1 of 4 stars; one submission).

Submission:

Labcorp Genetics (formerly Invitae), Labcorp
Classification: Uncertain significance. Last evaluated: 2022-02-06. Review status: criteria provided, single submitter. Criteria: Invitae Variant Classification Sherloc (09022015). Collection method: clinical testing. Allele origin: germline.
Comment: This variant is not present in population databases (gnomAD no frequency). In summary, the available evidence is currently insufficient to determine the role of this variant in disease. Therefore, it has been classified as a Variant of Uncertain Significance. Algorithms developed to predict the effect of sequence changes on RNA splicing suggest that this variant may disrupt the consensus splice site. This variant has not been reported in the literature in individuals affected with SZT2-related conditions. This sequence change falls in intron 12 of the SZT2 gene. It does not directly change the encoded amino acid sequence of the SZT2 protein.